The following is an entry in ClinVar:

ClinVar aggregate classification (germline): Pathogenic/Likely pathogenic. Review status: criteria provided, multiple submitters, no conflicts (2 of 4 stars). 7 submissions from 7 submitters: Pathogenic (2); Likely pathogenic (3). 2 of the submissions do not count toward it. Last evaluated 2025-08-25.

Conditions:
Autosomal recessive polycystic kidney disease (ARPKD). Also called: AR polycystic kidney disease. Identifiers: Orphanet 731, Orphanet 8378, MedGen C0085548, MeSH D017044, MONDO:0009889.
PKHD1-related disorder. Also called: PKHD1-related condition.
Polycystic kidney disease 4 (PKD4). Also called: POLYCYSTIC KIDNEY AND HEPATIC DISEASE 1; POLYCYSTIC KIDNEY DISEASE, INFANTILE, TYPE I; Autosomal Recessive Polycystic Kidney Disease – PKHD1; PKD3; POLYCYSTIC KIDNEY DISEASE 4 WITH OR WITHOUT POLYCYSTIC LIVER DISEASE. Identifiers: MedGen C4540575, MONDO:0033004, OMIM 263200.

Allele frequency attached by ClinVar (database versions not stated): gnomAD exomes 0.00001; ExAC 0.00002; gnomAD 0.00002; TOPMed 0.00003; ESP Exome Variant Server 0.00008.
gnomAD v4.1: 24 of 1,613,234 alleles (0.0015%); highest among the groups gnomAD compares: African/African-American, 0.0027%; no homozygotes.

Submissions (7):

Natera, Inc.
Classification: Likely pathogenic for Autosomal recessive polycystic kidney disease. Last evaluated: 2025-08-25. Review status: criteria provided, single submitter. Criteria: Natera Variant Classification Schema (03/2026). Collection method: clinical testing. Allele origin: germline.
Comment: The c.6097A>G variant in PKHD1 is a missense variant predicted to cause substitution of arginine to glycine at amino acid 2033. This variant is rare in the general population with a frequency below the threshold expected for the associated phenotype(s). This variant has been observed in one or more individuals affected with the associated recessive disease, as either homozygous or compound heterozygous with a second variant (PMID: 30366773, 19914852). Additionally, this variant has been observed to segregate in affected family members (PMID: 19914852). Computational prediction algorithms indicate this variant is likely to affect gene or protein function. Given the available evidence, this variant is classified as Likely Pathogenic.

Women's Health and Genetics/Laboratory Corporation of America, LabCorp
Classification: Pathogenic for Autosomal recessive polycystic kidney disease. Last evaluated: 2025-06-06. Review status: criteria provided, single submitter. Criteria: LabCorp Variant Classification Summary - May 2015. Collection method: clinical testing. Allele origin: germline.
Comment: Variant summary: PKHD1 c.6097A>G (p.Arg2033Gly) results in a non-conservative amino acid change located in the G8 domain (IPR019316) of the encoded protein sequence. Algorithms developed to predict the effect of missense changes on protein structure and function all suggest that this variant is likely to be disruptive. The variant allele was found at a frequency of 1.2e-05 in 251288 control chromosomes. c.6097A>G has been observed in multiple compound heterozygous individuals affected with Polycystic Kidney And Hepatic Disease (Adeya_2006, Gunay-Aygun_2010, Chen_2019, Rao_2019, LCG internal data). These data indicate that the variant is very likely to be associated with disease. To our knowledge, no experimental evidence demonstrating an impact on protein function has been reported. The following publications have been ascertained in the context of this evaluation (PMID: 16523049, 20413436, 19914852, 30366773, 31328266). ClinVar contains an entry for this variant (Variation ID: 554925). Based on the evidence outlined above, the variant was classified as pathogenic.

Blueprint Genetics
Classification: Likely pathogenic for PKHD1-related disorders. Last evaluated: 2024-09-11. Review status: criteria provided, single submitter. Criteria: ACMG Guidelines, 2015. Collection method: clinical testing. Allele origin: germline. Affected: yes. Observed: 4 variant alleles.

Labcorp Genetics (formerly Invitae), Labcorp
Classification: Pathogenic for Autosomal recessive polycystic kidney disease. Last evaluated: 2024-02-22. Review status: criteria provided, single submitter. Criteria: Invitae Variant Classification Sherloc (09022015). Collection method: clinical testing. Allele origin: germline.
Comment: This sequence change replaces arginine, which is basic and polar, with glycine, which is neutral and non-polar, at codon 2033 of the PKHD1 protein (p.Arg2033Gly). This variant is present in population databases (rs369626030, gnomAD 0.01%). This missense change has been observed in individuals with polycystic kidney disease (PMID: 16523049, 20413436, 30366773). It has also been observed to segregate with disease in related individuals. ClinVar contains an entry for this variant (Variation ID: 554925). Advanced modeling of protein sequence and biophysical properties (such as structural, functional, and spatial information, amino acid conservation, physicochemical variation, residue mobility, and thermodynamic stability) performed at Invitae indicates that this missense variant is expected to disrupt PKHD1 protein function with a positive predictive value of 95%. For these reasons, this variant has been classified as Pathogenic.

Juno Genomics, Hangzhou Juno Genomics, Inc
Classification: Likely pathogenic for Polycystic kidney disease 4. Review status: criteria provided, single submitter. Criteria: ACMG Guidelines, 2015. Collection method: clinical testing. Allele origin: germline.
Comment: Absent from controls (or at extremely low frequency if recessive) in Genome Aggregation Database.;Multiple lines of computational evidence support a deleterious effect on the gene or gene product.;For recessive disorders, detected in trans with a pathogenic variant.;Co-segregation with disease in multiple affected family members.;Patient's phenotype or family history is highly specific for a disease with a single genetic etiology.

Department of Pathology and Laboratory Medicine, Sinai Health System
Classification: Uncertain significance for Polycystic kidney disease 4. Last evaluated: 2020-03-17. Review status: flagged submission. Criteria: ACMG Guidelines, 2015. Collection method: clinical testing. Allele origin: germline. Affected: yes. Not counted in ClinVar's aggregate classification.
ClinVar note: Reason: Outlier claim with insufficient supporting evidence

Counsyl
Classification: Uncertain significance for Polycystic kidney disease 4. Last evaluated: 2017-11-08. Review status: flagged submission. Collection method: clinical testing. Allele origin: unknown. Not counted in ClinVar's aggregate classification.
ClinVar note: Reason: Older claim that does not account for recent evidence

Literature cited by the submitters: PubMed 30366773 (cited by 3 submitters); PubMed 19914852 (cited by 4 submitters); PubMed 20413436 (cited by Women's Health and Genetics/Laboratory Corporation of America, LabCorp and Labcorp Genetics (formerly Invitae), Labcorp); PubMed 16523049 (cited by 4 submitters); PubMed 31328266 (cited by Women's Health and Genetics/Laboratory Corporation of America, LabCorp).

NM_138694.4(PKHD1):c.6097A>G (p.Arg2033Gly)

Gene: PKHD1 (PKHD1 ciliary IPT domain containing fibrocystin/polyductin; minus strand). Cytogenetic location: 6p12.2.
Variant type: single nucleotide variant.
Coding change: c.6097A>G on transcript NM_138694.4 (MANE Select); coding-DNA position 6097, A replaced by G.
Protein change: p.Arg2033Gly; replaces arginine 2033 with glycine.
Molecular consequence: missense variant.
Genome position (GRCh38, 1-based): chr6:51,934,134, T>C on the plus strand (A>G on the coding strand, the complement: PKHD1 is on the minus strand). VCF-style: chr6-51934134-T-C. GRCh37 (hg19) VCF-style: chr6-51798932-T-C.
Other names: c.6097A>G, p.Arg2033Gly (NM_170724.3); short protein forms R2033G.
Identifiers: ClinVar variation 554925 (VCV000554925.18), dbSNP rs369626030, ClinGen allele CA3852352.